The following is an entry in ClinVar:

NM_014317.5(PDSS1):c.484C>G (p.Gln162Glu)

Gene: PDSS1 (decaprenyl diphosphate synthase subunit 1; plus strand). Cytogenetic location: 10p12.1.
Variant type: single nucleotide variant.
Coding change: c.484C>G on transcript NM_014317.5 (MANE Select); coding-DNA position 484, C replaced by G.
Protein change: p.Gln162Glu; replaces glutamine 162 with glutamic acid.
Molecular consequence: missense variant. On other transcripts: 5 prime UTR variant (1).
Genome position (GRCh38, 1-based): chr10:26,720,234, C>G. VCF-style: chr10-26720234-C-G. GRCh37 (hg19) VCF-style: chr10-27009163-C-G.
Other names: c.484C>G, p.Gln162Glu (NM_001321978.2); c.-27C>G (NM_001321979.2); short protein forms Q162E.
Identifiers: ClinVar variation 3377180 (VCV003377180.4).
Genomic context (GRCh38, chr10:26,720,234, plus strand): 5'-TTCTAGGCGGCGTCTGTTAAAAAGCATTGCTTTCTGTTAATTAGACATGTGCAAGCCAGC[C>G]AGCGCGCCATAGCCTTAATTGCAGAAATGATCCACACTGCTAGTCTGGTTCACGATGACG-3'
Protein context (NP_055132.2, residues 152-172): HNNSRHVQAS[Gln162Glu]RAIALIAEMI

ClinVar aggregate classification (germline): Uncertain significance (1 of 4 stars; one submission).

Conditions:
Deafness-encephaloneuropathy-obesity-valvulopathy syndrome. Identifiers: Orphanet 254898, MedGen C3553354, MONDO:0013837, OMIM 614651.

Submission:

Victorian Clinical Genetics Services, Murdoch Childrens Research Institute
Classification: Uncertain significance for Deafness-encephaloneuropathy-obesity-valvulopathy syndrome. Last evaluated: 2026-05-22. Review status: criteria provided, single submitter. Criteria: ACMG Guidelines, 2015. Collection method: clinical testing. Allele origin: germline. Affected: yes.
Comment: This variant is classified as VUS-3A. Evidence in support of pathogenic classification: Variant is absent from gnomAD (v2, v3 and v4); Heterozygous variant detected in trans with a second LIKELY PATHOGENIC heterozygous variant (NM_014317.5(PDSS1):c.18G>A; p.(Trp6*)) in a recessive disease. Additional information: Variant is predicted to result in a missense amino acid change from Gln to Glu; This variant is heterozygous; This gene is associated with autosomal recessive disease; This variant has no previous evidence of pathogenicity; No published segregation evidence has been identified for this variant; Functional evidence is inconclusive. Lipidomics in this individual's fibroblasts showed a 50% reduction in CoQ10 levels compared to controls (MitoMDT Consortium, Victoria, Australia). Additionally, CII+III enzyme activity in this patient's fibroblasts was reduced compared to controls, and CoQ1 supplementation increased the activity more markedly in the proband compared to controls (25R000007); No comparable missense variants have previous evidence for pathogenicity; Variant is located in the annotated polyprenyl synthetase domain (DECIPHER); Missense variant with inconclusive in silico prediction and/or uninformative conservation; Loss of function is a known mechanism of disease in this gene and is associated with primary coenzyme Q10 deficiency (MIM#614651); Parental origin of the variant is unresolved.